The following is an entry in ClinVar:

ClinVar aggregate classification (germline): Uncertain significance (1 of 4 stars; one submission).

Conditions:
Saldino-Mainzer syndrome (SRTD9). Also called: Renal dysplasia, retinal pigmentary dystrophy, cerebellar ataxia and skeletal dysplasia; CONORENAL SYNDROME; short-rib thoracic dysplasia 9 with or without polydactyly; SHORT-RIB THORACIC DYSPLASIA 9 WITHOUT POLYDACTYLY. Identifiers: Orphanet 140969, MedGen C1849437, MONDO:0009964, OMIM 266920.

Submission:

Labcorp Genetics (formerly Invitae), Labcorp
Classification: Uncertain significance for Saldino-Mainzer syndrome. Last evaluated: 2022-02-10. Review status: criteria provided, single submitter. Criteria: Invitae Variant Classification Sherloc (09022015). Collection method: clinical testing. Allele origin: germline.
Comment: This sequence change replaces aspartic acid, which is acidic and polar, with histidine, which is basic and polar, at codon 528 of the IFT140 protein (p.Asp528His). This variant is not present in population databases (gnomAD no frequency). This variant has not been reported in the literature in individuals affected with IFT140-related conditions. Algorithms developed to predict the effect of missense changes on protein structure and function are either unavailable or do not agree on the potential impact of this missense change (SIFT: "Deleterious"; PolyPhen-2: "Benign"; Align-GVGD: "Class C0"). In summary, the available evidence is currently insufficient to determine the role of this variant in disease. Therefore, it has been classified as a Variant of Uncertain Significance.

NM_014714.4(IFT140):c.1582G>C (p.Asp528His)

Gene: IFT140 (intraflagellar transport 140; minus strand). Cytogenetic location: 16p13.3.
Variant type: single nucleotide variant.
Coding change: c.1582G>C on transcript NM_014714.4 (MANE Select); coding-DNA position 1582, G replaced by C.
Protein change: p.Asp528His; replaces aspartic acid 528 with histidine.
Molecular consequence: missense variant.
Genome position (GRCh38, 1-based): chr16:1,571,477, C>G on the plus strand (G>C on the coding strand, the complement: IFT140 is on the minus strand). VCF-style: chr16-1571477-C-G. GRCh37 (hg19) VCF-style: chr16-1621478-C-G.
Other names: short protein forms D528H.
Identifiers: ClinVar variation 1925202 (VCV001925202.5), dbSNP rs2507422230, ClinGen allele CA394209303.